The following is an entry in ClinVar:

NM_001164508.2(NEB):c.498_507+18del

Gene: NEB (nebulin; minus strand). Cytogenetic location: 2q23.3.
Variant type: Deletion.
Coding change: c.498_507+18del on transcript NM_001164508.2 (MANE Select); coding-DNA position 498 through 18 bases into the intron after coding-DNA position 507, 28 bases deleted (AGTCAGTAAGGTAAGGCAATGATATGGA).
Molecular consequence: splice donor variant.
Genome position (GRCh38, 1-based): chr2:151,724,839-151,724,866, TCCATATCATTGCCTTACCTTACTGACT deleted on the plus strand (AGTCAGTAAGGTAAGGCAATGATATGGA on the coding strand, the reverse complement: NEB is on the minus strand); deleting any 28 consecutive bases within chr2:151,724,839-151,724,867 gives the same sequence; the c. name uses the placement nearest the transcript's 3' end. VCF-style (leftmost placement, unchanged base first): chr2-151724838-ATCCATATCATTGCCTTACCTTACTGACT-A. GRCh37 (hg19) VCF-style: chr2-152581352-ATCCATATCATTGCCTTACCTTACTGACT-A.
Other names: c.498_507+18del (NM_004543.5, NM_001164507.2, NM_001271208.2).
Identifiers: ClinVar variation 1995002 (VCV001995002.4), dbSNP rs2552279728, ClinGen allele CA2580064047.

ClinVar aggregate classification (germline): Likely pathogenic (1 of 4 stars; one submission).

Conditions:
Nemaline myopathy 2 (NEM2). Also called: Nemaline myopathy 2, autosomal recessive. Identifiers: MedGen C1850569, MONDO:0009725, OMIM 256030.

Submission:

Labcorp Genetics (formerly Invitae), Labcorp
Classification: Likely pathogenic for Nemaline myopathy 2. Last evaluated: 2022-05-22. Review status: criteria provided, single submitter. Criteria: Invitae Variant Classification Sherloc (09022015). Collection method: clinical testing. Allele origin: germline.
Comment: In summary, the currently available evidence indicates that the variant is pathogenic, but additional data are needed to prove that conclusively. Therefore, this variant has been classified as Likely Pathogenic. Algorithms developed to predict the effect of sequence changes on RNA splicing suggest that this variant may disrupt the consensus splice site. This variant has not been reported in the literature in individuals affected with NEB-related conditions. This variant is not present in population databases (gnomAD no frequency). This variant results in the deletion of part of exon 7 (c.498_507+18del) of the NEB gene. It is expected to disrupt RNA splicing. Variants that disrupt the donor or acceptor splice site typically lead to a loss of protein function (PMID: 16199547), and loss-of-function variants in NEB are known to be pathogenic (PMID: 25205138).

Literature cited by the submitters: PubMed 16199547; PubMed 25205138.